The following is an entry in ClinVar:

ClinVar aggregate classification (germline): Pathogenic. Review status: criteria provided, multiple submitters, no conflicts (2 of 4 stars). 2 submissions from 2 submitters: Pathogenic (2). Last evaluated 2024-09-06.

Conditions:
Odonto-onycho-dermal dysplasia. Identifiers: Orphanet 2721, MedGen C0796093, MONDO:0009773, OMIM 257980.
Tooth agenesis, selective, 4 (STHAG4). Also called: SUCCEDANEOUS TEETH, AGENESIS OF; TOOTH AGENESIS, SELECTIVE, 4, WITH OR WITHOUT ECTODERMAL DYSPLASIA; LATERAL INCISORS, ABSENCE OF; LATERAL INCISORS, PEGGED OR MISSING. Identifiers: Orphanet 99798, MedGen C1835492, MONDO:0007881, OMIM 150400. Disease mechanism: loss of function.
Inborn genetic diseases. Identifiers: MedGen C0950123, MeSH D030342.

Allele frequency attached by ClinVar (database versions not stated): gnomAD exomes 0.00002; ExAC 0.00005; ESP Exome Variant Server 0.00008; gnomAD 0.00001; TOPMed 0.00001.
gnomAD v4.1: 14 of 1,611,420 alleles (0.00087%); highest among the groups gnomAD compares: Non-Finnish European, 0.0011%; no homozygotes.

Submissions (2):

Ambry Genetics
Classification: Pathogenic for Inborn genetic diseases. Last evaluated: 2024-09-06. Review status: criteria provided, single submitter. Criteria: Ambry Variant Classification Scheme 2023. Collection method: clinical testing. Allele origin: germline.
Comment: The c.664G>T (p.E222*) alteration, located in exon 3 (coding exon 3) of the WNT10A gene, consists of a G to T substitution at nucleotide position 664. This changes the amino acid from a glutamic acid (E) to a stop codon at amino acid position 222. This alteration is expected to result in loss of function by premature protein truncation or nonsense-mediated mRNA decay. Based on data from gnomAD, the T allele has an overall frequency of 0.002% (6/246302) total alleles studied. The highest observed frequency was 0.005% (6/112502) of European (non-Finnish) alleles. This variant has been identified in the homozygous state and/or in conjunction with other WNT10A variants in individuals with tooth agenesis, maxillary and mandibular deciduous teeth, nail abnormalities, hyperhidrosis, and/or coarse hair; in at least one instance, the variants were identified in trans (Arte, 2013; Bergendal, 2016). Based on the available evidence, this alteration is classified as pathogenic.

Labcorp Genetics (formerly Invitae), Labcorp
Classification: Pathogenic for Tooth agenesis, selective, 4; Odonto-onycho-dermal dysplasia. Last evaluated: 2022-10-27. Review status: criteria provided, single submitter. Criteria: Invitae Variant Classification Sherloc (09022015). Collection method: clinical testing. Allele origin: germline.
Comment: This sequence change creates a premature translational stop signal (p.Glu222*) in the WNT10A gene. It is expected to result in an absent or disrupted protein product. Loss-of-function variants in WNT10A are known to be pathogenic (PMID: 17847007, 22581971, 25629078). This variant is present in population databases (rs377416834, gnomAD 0.006%). This premature translational stop signal has been observed in individual(s) with tooth agenesis (PMID: 23991204). ClinVar contains an entry for this variant (Variation ID: 935681). Algorithms developed to predict the effect of sequence changes on RNA splicing suggest that this variant may disrupt the consensus splice site. For these reasons, this variant has been classified as Pathogenic.

Literature cited by the submitters: PubMed 23991204 (cited by Ambry Genetics and Labcorp Genetics (formerly Invitae), Labcorp); PubMed 27881089 (cited by Ambry Genetics); PubMed 17847007 (cited by Labcorp Genetics (formerly Invitae), Labcorp); PubMed 22581971 (cited by Labcorp Genetics (formerly Invitae), Labcorp); PubMed 25629078 (cited by Labcorp Genetics (formerly Invitae), Labcorp).

NM_025216.3(WNT10A):c.664G>T (p.Glu222Ter)

Gene: WNT10A (Wnt family member 10A; plus strand). Cytogenetic location: 2q35.
Variant type: single nucleotide variant.
Coding change: c.664G>T on transcript NM_025216.3 (MANE Select); coding-DNA position 664, G replaced by T.
Protein change: p.Glu222Ter; replaces glutamic acid 222 with a stop codon.
Molecular consequence: nonsense.
Genome position (GRCh38, 1-based): chr2:218,890,271, G>T. VCF-style: chr2-218890271-G-T. GRCh37 (hg19) VCF-style: chr2-219754993-G-T.
Other names: short protein forms E222*.
Identifiers: ClinVar variation 935681 (VCV000935681.10), dbSNP rs377416834, ClinGen allele CA2113992.
Genomic context (GRCh38, chr2:218,890,271, plus strand): 5'-AGCCCAGGCCTGCAGGACTCCTGGGAGTGGGGCGGCTGCAGCCCCGACATGGGCTTCGGG[G>T]AGCGCTTTTCTAAGGACTTTCTGGACTCCCGGGAGCCTCACAGAGACATCCACGCGAGAA-3'